The following is an entry in ClinVar:

ClinVar aggregate classification (germline): Uncertain significance (1 of 4 stars; one submission).

Conditions:
Gastrointestinal stromal tumor. Also called: Gastrointestinal stromal tumor, somatic; Gastrointestinal stroma tumor. Identifiers: Orphanet 44890, MedGen C0238198, MeSH D046152, MONDO:0011719, OMIM 606764, HP:0100723.

Submission:

Labcorp Genetics (formerly Invitae), Labcorp
Classification: Uncertain significance for Gastrointestinal stromal tumor. Last evaluated: 2018-08-28. Review status: criteria provided, single submitter. Criteria: Invitae Variant Classification Sherloc (09022015). Collection method: clinical testing. Allele origin: germline.
Comment: This sequence change replaces histidine with leucine at codon 687 of the PDGFRA protein (p.His687Leu). The histidine residue is highly conserved and there is a moderate physicochemical difference between histidine and leucine. This variant is not present in population databases (ExAC no frequency). This variant has not been reported in the literature in individuals with PDGFRA-related disease. Algorithms developed to predict the effect of missense changes on protein structure and function (SIFT, PolyPhen-2, Align-GVGD) all suggest that this variant is likely to be tolerated, but these predictions have not been confirmed by published functional studies and their clinical significance is uncertain. In summary, the available evidence is currently insufficient to determine the role of this variant in disease. Therefore, it has been classified as a Variant of Uncertain Significance.

NM_006206.6(PDGFRA):c.2060A>T (p.His687Leu)

Gene: PDGFRA (platelet derived growth factor receptor alpha; plus strand). Cytogenetic location: 4q12.
Variant type: single nucleotide variant.
Coding change: c.2060A>T on transcript NM_006206.6 (MANE Select); coding-DNA position 2060, A replaced by T.
Protein change: p.His687Leu; replaces histidine 687 with leucine.
Molecular consequence: missense variant.
Genome position (GRCh38, 1-based): chr4:54,278,419, A>T. VCF-style: chr4-54278419-A-T. GRCh37 (hg19) VCF-style: chr4-55144586-A-T.
Other names: c.2060A>T, p.His687Leu (NM_001347827.2, NM_001347829.2); c.2135A>T, p.His712Leu (NM_001347828.2); c.2099A>T, p.His700Leu (NM_001347830.2); short protein forms H700L, H712L, H687L.
Identifiers: ClinVar variation 665266 (VCV000665266.9), dbSNP rs1577731982, ClinGen allele CA356893949.